The following is an entry in ClinVar:

NM_032119.4(ADGRV1):c.17528A>G (p.Tyr5843Cys)

Gene: ADGRV1 (adhesion G protein-coupled receptor V1; plus strand). Cytogenetic location: 5q14.3.
Variant type: single nucleotide variant.
Coding change: c.17528A>G on transcript NM_032119.4 (MANE Select); coding-DNA position 17528, A replaced by G.
Protein change: p.Tyr5843Cys; replaces tyrosine 5843 with cysteine.
Molecular consequence: missense variant. On other transcripts: non-coding transcript variant (1).
Genome position (GRCh38, 1-based): chr5:90,854,135, A>G. VCF-style: chr5-90854135-A-G. GRCh37 (hg19) VCF-style: chr5-90149952-A-G.
Other names: short protein forms Y5843C.
Identifiers: ClinVar variation 163629 (VCV000163629.25), dbSNP rs147011199, ClinGen allele CA176256.

ClinVar aggregate classification (germline): Conflicting classifications of pathogenicity. Review status: criteria provided, conflicting classifications (1 of 4 stars). 9 submissions from 9 submitters: Uncertain significance (3); Likely benign (4). 2 of the submissions do not count toward it. Last evaluated 2026-01-24.

Conditions:
ADGRV1-related disorder. Also called: ADGRV1-related condition; ADGRV1-related disorders.
Inborn genetic diseases. Identifiers: MedGen C0950123, MeSH D030342.

Allele frequency attached by ClinVar (database versions not stated): gnomAD exomes 0.00007 and 0.00016; ESP Exome Variant Server 0.00034; ExAC 0.00040; gnomAD 0.00052 and 0.00054; TOPMed 0.00069; 1000 Genomes Project 0.00120; 1000 Genomes Project 30x 0.00141.
gnomAD v4.1: 172 of 1,572,946 alleles (0.011%); highest among the groups gnomAD compares: African/African-American, 0.22%; 1 homozygote.

Submissions (9):

Labcorp Genetics (formerly Invitae), Labcorp
Classification: Likely benign. Last evaluated: 2026-01-24. Review status: criteria provided, single submitter. Criteria: Invitae Variant Classification Sherloc (09022015). Collection method: clinical testing. Allele origin: germline.

Ambry Genetics
Classification: Uncertain significance for Inborn genetic diseases. Last evaluated: 2025-01-18. Review status: criteria provided, single submitter. Criteria: Ambry Variant Classification Scheme 2023. Collection method: clinical testing. Allele origin: germline.

PreventionGenetics, part of Exact Sciences
Classification: Likely benign for ADGRV1-related condition. Last evaluated: 2025-01-07. Review status: criteria provided, single submitter. Criteria: ACMG Guidelines, 2015. Collection method: clinical testing. Allele origin: germline.
Comment: This variant is classified as likely benign based on ACMG/AMP sequence variant interpretation guidelines (Richards et al. 2015 PMID: 25741868, with internal and published modifications).

Blueprint Genetics
Classification: Likely benign. Last evaluated: 2024-03-07. Review status: criteria provided, single submitter. Criteria: ACMG Guidelines, 2015. Collection method: clinical testing. Allele origin: germline.

GeneDx
Classification: Likely benign. Last evaluated: 2020-03-10. Review status: criteria provided, single submitter. Criteria: GeneDx Variant Classification Process June 2021. Collection method: clinical testing. Allele origin: germline. Affected: yes.

Laboratory for Molecular Medicine, Mass General Brigham Personalized Medicine
Classification: Uncertain significance. Last evaluated: 2018-11-13. Review status: criteria provided, single submitter. Criteria: LMM Criteria. Collection method: clinical testing. Allele origin: germline. Observed: 2 variant alleles.
Comment: Variant classified as Uncertain Significance - Favor Benign. It has also been identified in 0.21% (42/ 20072) of African chromosomes by gnomAD and h as been reported in ClinVar (Variation ID 163629). Computational prediction tool s and conservation analysis suggest that the variant may impact the protein, tho ugh this information is not predictive enough to determine pathogenicity. In sum mary, while the clinical significance of the p.Tyr5843Cys variant is uncertain, its frequency suggests that it is more likely to be benign. ACMG/AMP Criteria ap plied: BS1_Supporting, PP3.

Eurofins Ntd Llc (ga)
Classification: Uncertain significance. Last evaluated: 2016-04-19. Review status: criteria provided, single submitter. Criteria: EGL Classification Definitions 2015. Collection method: clinical testing. Allele origin: germline. Observed: 2 variant alleles, 2 heterozygotes.

Clinical Genetics DNA and cytogenetics Diagnostics Lab, Erasmus MC, Erasmus Medical Center
Classification: Uncertain significance. Review status: no assertion criteria provided. Collection method: clinical testing. Allele origin: germline. Affected: yes. Study: VKGL Data-share Consensus. Not counted in ClinVar's aggregate classification.

Laboratory of Diagnostic Genome Analysis, Leiden University Medical Center (LUMC)
Classification: Uncertain significance. Review status: no assertion criteria provided. Collection method: clinical testing. Allele origin: germline. Affected: yes. Study: VKGL Data-share Consensus. Not counted in ClinVar's aggregate classification.